The following is an entry in ClinVar:

NM_001003694.2(BRPF1):c.1433G>A (p.Trp478Ter)

Gene: BRPF1 (bromodomain and PHD finger containing 1; plus strand). Cytogenetic location: 3p25.3.
Variant type: single nucleotide variant.
Coding change: c.1433G>A on transcript NM_001003694.2 (MANE Select); coding-DNA position 1433, G replaced by A.
Protein change: p.Trp478Ter; replaces tryptophan 478 with a stop codon.
Molecular consequence: nonsense. On other transcripts: non-coding transcript variant (1).
Genome position (GRCh38, 1-based): chr3:9,739,832, G>A. VCF-style: chr3-9739832-G-A. GRCh37 (hg19) VCF-style: chr3-9781516-G-A.
Other names: c.1433G>A (NM_001003694.1); c.1433G>A, p.Trp478Ter (NM_001319049.2, NM_001319050.2, NM_004634.3); short protein forms W478*.
Identifiers: ClinVar variation 1333613 (VCV001333613.3), dbSNP rs2125501418, ClinGen allele CA351688485.
Genomic context (GRCh38, chr3:9,739,832, plus strand): 5'-CCCTGTCCCACAGCGAGGGTGAGGAGGATGAAGATGAGGAGGAGGATGAGGGTAAGGGCT[G>A]GAGCTCAGAGAAAGTCAAGAAGGCCAAGGCCAAGTCCCGGATCAAAATGAAGAAGGCACG-3'

ClinVar aggregate classification (germline): Pathogenic/Likely pathogenic. Review status: criteria provided, multiple submitters, no conflicts (2 of 4 stars). 2 submissions from 2 submitters: Pathogenic (1); Likely pathogenic (1). Last evaluated 2024-10-10.

Conditions:
Intellectual developmental disorder with dysmorphic facies and ptosis (IDDDFP). Identifiers: Orphanet 698090, MedGen C4310617, MONDO:0015022, OMIM 617333.

Submissions (2):

Victorian Clinical Genetics Services, Murdoch Childrens Research Institute
Classification: Pathogenic for Intellectual developmental disorder with dysmorphic facies and ptosis. Last evaluated: 2024-10-10. Review status: criteria provided, single submitter. Criteria: ACMG Guidelines, 2015. Collection method: clinical testing. Allele origin: germline. Inheritance: Autosomal dominant inheritance. Affected: yes.
Comment: Based on the classification scheme VCGS_Germline_v1.1.1, this variant is classified as Pathogenic. Following criteria are met: 0102 - Loss-of-function is a known mechanism of disease for this gene. (N) 0107 - This gene is known to be associated with autosomal dominant disease. (N) 0201 - Variant is predicted to cause nonsense-mediated decay (NMD) and loss of protein (Exon 3 of 14). (P) 0251 - Variant is heterozygous. (N) 0301 - Variant is absent from gnomAD. (P) 0401 - Variant is located in a gene associated with a severe early-onset dominant condition that is intolerant to loss-of-function variants. (P) 0507 - Identified variant type is not compatible with in-silico predictions of pathogenicity. (N) 0701 - Comparable variants have very strong previous evidence for pathogenicity (ClinVar, Yan K. et al. 2017). (P) 0807 - Variant has not previously been reported in a clinical context. (N) 0905 - No segregation evidence has been identified for this variant. (N) 1007 - No published functional evidence has been identified for this variant. (P) Legend: (P) - Pathogenic, (N) - Neutral, (B) - Benign

3billion
Classification: Likely pathogenic for Intellectual developmental disorder with dysmorphic facies and ptosis. Last evaluated: 2022-01-03. Review status: criteria provided, single submitter. Criteria: ACMG Guidelines, 2015. Collection method: clinical testing. Allele origin: germline. Affected: yes. Observed: 1 heterozygote.
Comment: Stop-gained (nonsense): predicted to result in a loss or disruption of normal protein function through nonsense-mediated decay (NMD) or protein truncation. Multiple pathogenic variants are reported downstream of the variant (PVS1_VS). It is not observed in the gnomAD v2.1.1 dataset (PM2_M). Therefore, this variant is classified as likely pathogenic according to the recommendation of ACMG/AMP guideline.

Literature cited by the submitters: PubMed 27939640 (cited by Victorian Clinical Genetics Services, Murdoch Childrens Research Institute).